The following is an entry in ClinVar:

NM_053025.4(MYLK):c.1408C>T (p.His470Tyr)

Gene: MYLK (myosin light chain kinase; minus strand). Cytogenetic location: 3q21.1.
Variant type: single nucleotide variant.
Coding change: c.1408C>T on transcript NM_053025.4 (MANE Select); coding-DNA position 1408, C replaced by T.
Protein change: p.His470Tyr; replaces histidine 470 with tyrosine.
Molecular consequence: missense variant. On other transcripts: intron variant (2).
Genome position (GRCh38, 1-based): chr3:123,733,004, G>A on the plus strand (C>T on the coding strand, the complement: MYLK is on the minus strand). VCF-style: chr3-123733004-G-A. GRCh37 (hg19) VCF-style: chr3-123451851-G-A.
Other names: c.880C>T, p.His294Tyr (NM_001321309.2); c.1408C>T, p.His470Tyr (NM_053027.4); c.1309+683C>T (NM_053028.4, NM_053026.4); short protein forms H294Y, H470Y.
Identifiers: ClinVar variation 1315982 (VCV001315982.7), dbSNP rs767330046, ClinGen allele CA067067.

ClinVar aggregate classification (germline): Uncertain significance. Review status: criteria provided, multiple submitters, no conflicts (2 of 4 stars). 2 submissions from 2 submitters: Uncertain significance (2). Last evaluated 2025-10-13.

Conditions:
Aortic aneurysm, familial thoracic 7 (AAT7). Also called: AORTIC DISSECTION, FAMILIAL, WITH OR WITHOUT AORTIC ANEURYSM. Identifiers: MedGen C3151077, MONDO:0013418, OMIM 613780.

Allele frequency attached by ClinVar (database versions not stated): gnomAD exomes below 0.00001; ExAC 0.00001; gnomAD 0.00001; TOPMed 0.00001.
gnomAD v4.1: 3 of 1,614,088 alleles (0.00019%); highest among the groups gnomAD compares: Non-Finnish European, 0.00017%; no homozygotes.

Submissions (2):

Labcorp Genetics (formerly Invitae), Labcorp
Classification: Uncertain significance for Aortic aneurysm, familial thoracic 7. Last evaluated: 2025-10-13. Review status: criteria provided, single submitter. Criteria: Invitae Variant Classification Sherloc (09022015). Collection method: clinical testing. Allele origin: germline.
Comment: This sequence change replaces histidine, which is basic and polar, with tyrosine, which is neutral and polar, at codon 470 of the MYLK protein (p.His470Tyr). This variant is present in population databases (rs767330046, gnomAD 0.0009%). This variant has not been reported in the literature in individuals affected with MYLK-related conditions. ClinVar contains an entry for this variant (Variation ID: 1315982). Invitae Evidence Modeling of protein sequence and biophysical properties (such as structural, functional, and spatial information, amino acid conservation, physicochemical variation, residue mobility, and thermodynamic stability) indicates that this missense variant is not expected to disrupt MYLK protein function with a negative predictive value of 95%. In summary, the available evidence is currently insufficient to determine the role of this variant in disease. Therefore, it has been classified as a Variant of Uncertain Significance.

GeneDx
Classification: Uncertain significance. Last evaluated: 2019-11-25. Review status: criteria provided, single submitter. Criteria: GeneDx Variant Classification Process June 2021. Collection method: clinical testing. Allele origin: germline. Affected: yes.
Comment: Has not been previously published as pathogenic or benign to our knowledge; Not observed at a significant frequency in large population cohorts (Lek et al., 2016); In silico analysis, which includes protein predictors and evolutionary conservation, supports that this variant does not alter protein structure/function